The following is an entry in ClinVar:

NM_000540.3(RYR1):c.13584C>G (p.Pro4528=)

Gene: RYR1 (ryanodine receptor 1; plus strand). Cytogenetic location: 19q13.2.
Variant type: single nucleotide variant.
Coding change: c.13584C>G on transcript NM_000540.3 (MANE Select); coding-DNA position 13584, C replaced by G.
Protein change: p.Pro4528=; no amino-acid change (proline 4528 retained).
Molecular consequence: synonymous variant.
Genome position (GRCh38, 1-based): chr19:38,567,842, C>G. VCF-style: chr19-38567842-C-G. GRCh37 (hg19) VCF-style: chr19-39058482-C-G.
Other names: c.13569C>G, p.Pro4523= (NM_001042723.2).
Identifiers: ClinVar variation 703210 (VCV000703210.22), dbSNP rs368826804, ClinGen allele CA060199.
Genomic context (GRCh38, chr19:38,567,842, plus strand): 5'-TGGGGAGAAGGAAGAAGTTCCCGAGCCCACACCAGAGCCCCCCAAGAAGCAAGCACCTCC[C>G]TCACCCCCTCCAAAGAAGGAGGAAGCTGGAGGCGAATTCTGGGGAGAACTGGAGGTGCAG-3'
Protein context (NP_000531.2, residues 4518-4538): TPEPPKKQAP[Pro4528=]SPPPKKEEAG

ClinVar aggregate classification (germline): Likely benign. Review status: criteria provided, multiple submitters, no conflicts (2 of 4 stars). 4 submissions from 4 submitters: Likely benign (3). 1 of the submissions does not count toward it. Last evaluated 2025-08-21.

Conditions:
RYR1-related disorder. Also called: RYR1-related disorders; RYR1-related condition. Identifiers: MedGen CN239331.
Malignant hyperthermia, susceptibility to, 1 (MHS1). Also called: Anesthesia related hyperthermia; Malignant hyperpyrexia; Fulminating hyperpyrexia; Pharmacogenic myopathy; RYR1-Related Malignant Hyperthermia Susceptibility; Malignant hyperthermia suceptibility 1. Identifiers: Orphanet 423, MedGen C2930980, MONDO:0007783, OMIM 145600.

Allele frequency attached by ClinVar (database versions not stated): ExAC 0.00005; TOPMed 0.00012; ESP Exome Variant Server 0.00015; gnomAD 0.00018 and 0.00020.
gnomAD v4.1: 47 of 1,614,038 alleles (0.0029%); highest among the groups gnomAD compares: African/African-American, 0.035%; no homozygotes.

Submissions (4):

Labcorp Genetics (formerly Invitae), Labcorp
Classification: Likely benign for RYR1-related disorder. Last evaluated: 2025-08-21. Review status: criteria provided, single submitter. Criteria: Invitae Variant Classification Sherloc (09022015). Collection method: clinical testing. Allele origin: germline.

CeGaT Center for Human Genetics Tuebingen
Classification: Likely benign. Last evaluated: 2025-06-01. Review status: criteria provided, single submitter. Criteria: CeGaT Center For Human Genetics Tuebingen Variant Classification Criteria Version 2. Collection method: clinical testing. Allele origin: germline. Affected: yes. Observed: 1 variant allele.
Comment: RYR1: BP4, BP7

Color Diagnostics, LLC DBA Color Health
Classification: Likely benign for Malignant hyperthermia, susceptibility to, 1. Last evaluated: 2022-11-06. Review status: criteria provided, single submitter. Criteria: ACMG Guidelines, 2015. Collection method: clinical testing. Allele origin: germline.

PreventionGenetics, part of Exact Sciences
Classification: Likely benign for RYR1-related condition. Last evaluated: 2020-07-23. Review status: no assertion criteria provided. Collection method: clinical testing. Allele origin: germline. Not counted in ClinVar's aggregate classification.
Comment: This variant is classified as likely benign based on ACMG/AMP sequence variant interpretation guidelines (Richards et al. 2015 PMID: 25741868, with internal and published modifications).